The following is an entry in ClinVar:

ClinVar aggregate classification (germline): Uncertain significance. Review status: criteria provided, multiple submitters, no conflicts (2 of 4 stars). 2 submissions from 2 submitters: Uncertain significance (2). Last evaluated 2025-04-09.

Conditions:
Cardiovascular phenotype. Identifiers: MedGen CN230736.

Allele frequency attached by ClinVar (database versions not stated): gnomAD exomes below 0.00001.
gnomAD v4.1: 1 of 1,612,008 alleles (0.000062%); highest among the groups gnomAD compares: Non-Finnish European, 0.000085%; no homozygotes.

Submissions (2):

Molecular Diagnostic Laboratory for Inherited Cardiovascular Disease, Montreal Heart Institute
Classification: Uncertain significance for Cardiovascular phenotype. Last evaluated: 2025-04-09. Review status: criteria provided, single submitter. Criteria: ACMG Guidelines, 2015. Collection method: clinical testing. Allele origin: germline. Affected: yes.

Laboratory for Molecular Medicine, Mass General Brigham Personalized Medicine
Classification: Uncertain significance. Last evaluated: 2013-11-08. Review status: criteria provided, single submitter. Criteria: LMM Criteria. Collection method: clinical testing. Allele origin: germline. Observed: 1 variant allele.
Comment: The Thr422Pro variant in MYBPC3 has not been reported in individuals with cardio myopathy and data from large population studies is insufficient to assess the fr equency of this variant. Computational analyses (biochemical amino acid properti es, conservation, AlignGVGD, PolyPhen2, and SIFT) do not provide strong support for or against an impact to the protein. Additional information is needed to ful ly assess the clinical significance of the Thr422Pro variant.

NM_000256.3(MYBPC3):c.1264A>C (p.Thr422Pro)

Gene: MYBPC3 (myosin binding protein C3; minus strand). Cytogenetic location: 11p11.2.
Variant type: single nucleotide variant.
Coding change: c.1264A>C on transcript NM_000256.3 (MANE Select); coding-DNA position 1264, A replaced by C.
Protein change: p.Thr422Pro; replaces threonine 422 with proline.
Molecular consequence: missense variant.
Genome position (GRCh38, 1-based): chr11:47,343,108, T>G on the plus strand (A>C on the coding strand, the complement: MYBPC3 is on the minus strand). VCF-style: chr11-47343108-T-G. GRCh37 (hg19) VCF-style: chr11-47364659-T-G.
Other names: short protein forms T422P.
Identifiers: ClinVar variation 164123 (VCV000164123.5), dbSNP rs727503206, ClinGen allele CA010000.
Genomic context (GRCh38, chr11:47,343,108, plus strand): 5'-TCTCGCCACCCACCACGCACTGGTAGGCTGCGTCGTCCGCCAATGAGCACTGGCTGATGG[T>G]CAGGGTACGCTTGGCACCGATGGACTCAAAGATGTACCTGGGTGGGGGCCGCAGGGAAGT-3'
Protein context (NP_000247.2, residues 412-432): FESIGAKRTL[Thr422Pro]ISQCSLADDA